The following is an entry in ClinVar:

NM_001256627.2(BRSK2):c.92-4G>A

Gene: BRSK2 (BR serine/threonine kinase 2; plus strand). Cytogenetic location: 11p15.5.
Variant type: single nucleotide variant.
Coding change: c.92-4G>A on transcript NM_001256627.2 (MANE Select); 4 bases into the intron before coding-DNA position 92, G replaced by A.
Molecular consequence: intron variant.
Genome position (GRCh38, 1-based): chr11:1,436,036, G>A. VCF-style: chr11-1436036-G-A. GRCh37 (hg19) VCF-style: chr11-1457266-G-A.
Other names: c.92-4G>A (NM_001256629.2, NM_003957.4); c.-89-4G>A (NM_001282218.2); c.230-4G>A (NM_001256630.1).
Identifiers: ClinVar variation 3030192 (VCV003030192.2), dbSNP rs750575505, ClinGen allele CA5810359.

ClinVar aggregate classification (germline): Likely benign (0 of 4 stars; one submission).

Conditions:
BRSK2-related disorder. Also called: BRSK2-related condition; BRSK2-Related Disorders.

Allele frequency attached by ClinVar (database versions not stated): TOPMed 0.00006.
gnomAD v4.1: 66 of 1,601,468 alleles (0.0041%); highest among the groups gnomAD compares: Middle Eastern, 0.017%; no homozygotes.

Submission:

PreventionGenetics, part of Exact Sciences
Classification: Likely benign for BRSK2-related condition. Last evaluated: 2023-10-06. Review status: no assertion criteria provided. Collection method: clinical testing. Allele origin: germline.
Comment: This variant is classified as likely benign based on ACMG/AMP sequence variant interpretation guidelines (Richards et al. 2015 PMID: 25741868, with internal and published modifications).